The following is an entry in ClinVar:

ClinVar aggregate classification (germline): Uncertain significance (1 of 4 stars; one submission).

Conditions:
Cortical dysplasia-focal epilepsy syndrome (PTHSL1). Also called: Pitt-Hopkins-like syndrome 1. Identifiers: Orphanet 163681, Orphanet 221150, MedGen C2750246, MONDO:0012400, OMIM 610042.

Allele frequency attached by ClinVar (database versions not stated): TOPMed 0.00002; gnomAD 0.00003 and 0.00004.
gnomAD v4.1: 5 of 1,613,996 alleles (0.00031%); highest among the groups gnomAD compares: African/African-American, 0.004%; no homozygotes.

Submission:

Labcorp Genetics (formerly Invitae), Labcorp
Classification: Uncertain significance for Cortical dysplasia-focal epilepsy syndrome. Last evaluated: 2021-08-27. Review status: criteria provided, single submitter. Criteria: Invitae Variant Classification Sherloc (09022015). Collection method: clinical testing. Allele origin: germline.
Comment: This sequence change replaces alanine with threonine at codon 1076 of the CNTNAP2 protein (p.Ala1076Thr). The alanine residue is highly conserved and there is a small physicochemical difference between alanine and threonine. This variant is not present in population databases (ExAC no frequency). This variant has not been reported in the literature in individuals affected with CNTNAP2-related conditions. Algorithms developed to predict the effect of missense changes on protein structure and function (SIFT, PolyPhen-2, Align-GVGD) all suggest that this variant is likely to be disruptive. In summary, the available evidence is currently insufficient to determine the role of this variant in disease. Therefore, it has been classified as a Variant of Uncertain Significance.

NM_014141.6(CNTNAP2):c.3226G>A (p.Ala1076Thr)

Gene: CNTNAP2 (contactin associated protein 2; plus strand). Cytogenetic location: 7q36.1.
Variant type: single nucleotide variant.
Coding change: c.3226G>A on transcript NM_014141.6 (MANE Select); coding-DNA position 3226, G replaced by A.
Protein change: p.Ala1076Thr; replaces alanine 1076 with threonine.
Molecular consequence: missense variant.
Genome position (GRCh38, 1-based): chr7:148,217,503, G>A. VCF-style: chr7-148217503-G-A. GRCh37 (hg19) VCF-style: chr7-147914595-G-A.
Other names: short protein forms A1076T.
Identifiers: ClinVar variation 1047661 (VCV001047661.6), dbSNP rs1270594834, ClinGen allele CA369929511.
Genomic context (GRCh38, chr7:148,217,503, plus strand): 5'-AGCACCACCAAGGCGCCCTGCATTCTCCTCTACATCAGCTCCTTCACCACAGACTTCTTG[G>A]CAGTCCTCGTCAAACCCACTGGTAAGGACAAGGATACCCAGCCTCTGCCATTTAACATTT-3'
Protein context (NP_054860.1, residues 1066-1086): YISSFTTDFL[Ala1076Thr]VLVKPTGSLQ